The following is an entry in ClinVar:

NM_001382391.1(CSPP1):c.3487G>A (p.Val1163Ile)

Genes: ARFGEF1 (ARF guanine nucleotide exchange factor 1; minus strand), CSPP1 (centrosome and spindle pole associated protein 1; plus strand). Cytogenetic location: 8q13.2.
Variant type: single nucleotide variant.
Coding change: c.3487G>A on transcript NM_001382391.1 (MANE Select); coding-DNA position 3487, G replaced by A.
Protein change: p.Val1163Ile; replaces valine 1163 with isoleucine.
Molecular consequence: missense variant. On other transcripts: nonsense (1), intron variant (2).
Genome position (GRCh38, 1-based): chr8:67,195,399, G>A. VCF-style: chr8-67195399-G-A. GRCh37 (hg19) VCF-style: chr8-68107634-G-A.
Other names: c.3553G>A, p.Val1185Ile (NM_001364869.1); c.3373G>A, p.Val1125Ile (NM_001364870.1); c.3319G>A, p.Val1107Ile (NM_001438330.1); c.3333G>A, p.Trp1111Ter (NM_001438331.1); c.2788G>A, p.Val930Ile (NM_001438332.1); c.3472G>A, p.Val1158Ile (NM_024790.7); c.5367+4997C>T (NM_001413186.1); c.5385+4997C>T (NM_001413187.1); and 4 more; short protein forms V1071I, V1163I, V1136I, V1158I, V1098I, V1125I, V1185I, V813I.
Identifiers: ClinVar variation 1438592 (VCV001438592.8), dbSNP rs1414800888, ClinGen allele CA371204000.

ClinVar aggregate classification (germline): Uncertain significance. Review status: criteria provided, multiple submitters, no conflicts (2 of 4 stars). 2 submissions from 2 submitters: Uncertain significance (2). Last evaluated 2025-06-29.

Conditions:
Inborn genetic diseases. Identifiers: MedGen C0950123, MeSH D030342.
Joubert syndrome 21 (JBTS21). Identifiers: MedGen C3810212, MONDO:0014288, OMIM 615636.

Allele frequency attached by ClinVar (database versions not stated): TOPMed 0.00002.
gnomAD v4.1: 1 of 1,613,896 alleles (0.000062%); no homozygotes.

Submissions (2):

Ambry Genetics
Classification: Uncertain significance for Inborn genetic diseases. Last evaluated: 2025-06-29. Review status: criteria provided, single submitter. Criteria: Ambry Variant Classification Scheme 2023. Collection method: clinical testing. Allele origin: germline.

Labcorp Genetics (formerly Invitae), Labcorp
Classification: Uncertain significance for Joubert syndrome 21. Last evaluated: 2021-05-05. Review status: criteria provided, single submitter. Criteria: Invitae Variant Classification Sherloc (09022015). Collection method: clinical testing. Allele origin: germline.
Comment: Algorithms developed to predict the effect of missense changes on protein structure and function output the following: SIFT: "Tolerated"; PolyPhen-2: "Benign"; Align-GVGD: "Class C0". The isoleucine amino acid residue is found in multiple mammalian species, suggesting that this missense change does not adversely affect protein function. These predictions have not been confirmed by published functional studies and their clinical significance is uncertain. In summary, the available evidence is currently insufficient to determine the role of this variant in disease. Therefore, it has been classified as a Variant of Uncertain Significance. This variant has not been reported in the literature in individuals with CSPP1-related conditions. This variant is not present in population databases (ExAC no frequency). This sequence change replaces valine with isoleucine at codon 1158 of the CSPP1 protein (p.Val1158Ile). The valine residue is moderately conserved and there is a small physicochemical difference between valine and isoleucine.